The following is an entry in ClinVar:

ClinVar aggregate classification (germline): Uncertain significance (1 of 4 stars; one submission).

gnomAD v4.1: 4 of 1,602,840 alleles (0.00025%); highest among the groups gnomAD compares: Non-Finnish European, 0.00026%; no homozygotes.

Submission:

Labcorp Genetics (formerly Invitae), Labcorp
Classification: Uncertain significance. Last evaluated: 2022-07-17. Review status: criteria provided, single submitter. Criteria: Invitae Variant Classification Sherloc (09022015). Collection method: clinical testing. Allele origin: germline.
Comment: In summary, the available evidence is currently insufficient to determine the role of this variant in disease. Therefore, it has been classified as a Variant of Uncertain Significance. Algorithms developed to predict the effect of missense changes on protein structure and function output the following: SIFT: "Tolerated"; PolyPhen-2: "Benign"; Align-GVGD: "Class C0". The serine amino acid residue is found in multiple mammalian species, which suggests that this missense change does not adversely affect protein function. This variant has not been reported in the literature in individuals affected with SBF1-related conditions. This variant is not present in population databases (gnomAD no frequency). This sequence change replaces proline, which is neutral and non-polar, with serine, which is neutral and polar, at codon 1644 of the SBF1 protein (p.Pro1644Ser).

NM_002972.4(SBF1):c.4930C>T (p.Pro1644Ser)

Gene: SBF1 (SET binding factor 1; minus strand). Cytogenetic location: 22q13.33.
Variant type: single nucleotide variant.
Coding change: c.4930C>T on transcript NM_002972.4 (MANE Select); coding-DNA position 4930, C replaced by T.
Protein change: p.Pro1644Ser; replaces proline 1644 with serine.
Molecular consequence: missense variant.
Genome position (GRCh38, 1-based): chr22:50,454,625, G>A on the plus strand (C>T on the coding strand, the complement: SBF1 is on the minus strand). VCF-style: chr22-50454625-G-A. GRCh37 (hg19) VCF-style: chr22-50893054-G-A.
Other names: c.4855C>T, p.Pro1619Ser (NM_001365819.1); c.4933C>T, p.Pro1645Ser (NM_001410794.1); c.4852C>T, p.Pro1618Ser (NM_001410795.1); c.4930C>T, p.Pro1644Ser (NM_197971.1); short protein forms P1619S, P1644S, P1645S, P1618S.
Identifiers: ClinVar variation 1989642 (VCV001989642.2), dbSNP rs558233476, ClinGen allele CA412191934.
Genomic context (GRCh38, chr22:50,454,625, plus strand): 5'-AGGGCCACACCACGCGGCGCCTGCTCTGGGGAGCGCCTCCATCAGACCGTTCTTCCTCTG[G>A]GGGTTCAGGGGGCCCCTGGGCCAGTTCCCAGTCATAGGGAGGGCCCTCGGCCAGCGTCTC-3'
Protein context (NP_002963.2, residues 1634-1654): WELAQGPPEP[Pro1644Ser]EEERSDGGAP